The following is an entry in ClinVar:

ClinVar aggregate classification (germline): Uncertain significance (1 of 4 stars; one submission).

Submission:

Women's Health and Genetics/Laboratory Corporation of America, LabCorp
Classification: Uncertain significance. Last evaluated: 2025-04-07. Review status: criteria provided, single submitter. Criteria: LabCorp Variant Classification Summary - May 2015. Collection method: clinical testing. Allele origin: germline.
Comment: Variant summary: ARID1A c.4645G>T (p.Gly1549Cys) results in a non-conservative amino acid change in the encoded protein sequence. Four of five in-silico tools predict a damaging effect of the variant on protein function. The variant was absent in 235746 control chromosomes. The available data on variant occurrences in the general population are insufficient to allow any conclusion about variant significance. To our knowledge, no occurrence of c.4645G>T in individuals affected with ARID1A-related conditions and no experimental evidence demonstrating its impact on protein function have been reported. No submitters have cited clinical-significance assessments for this variant to ClinVar. Based on the evidence outlined above, the variant was classified as uncertain significance.

NM_006015.6(ARID1A):c.4645G>T (p.Gly1549Cys)

Gene: ARID1A (AT-rich interaction domain 1A; plus strand). Cytogenetic location: 1p36.11.
Variant type: single nucleotide variant.
Coding change: c.4645G>T on transcript NM_006015.6 (MANE Select); coding-DNA position 4645, G replaced by T.
Protein change: p.Gly1549Cys; replaces glycine 1549 with cysteine.
Molecular consequence: missense variant. On other transcripts: intron variant (1).
Genome position (GRCh38, 1-based): chr1:26,774,872, G>T. VCF-style: chr1-26774872-G-T. GRCh37 (hg19) VCF-style: chr1-27101363-G-T.
Other names: c.4102-108G>T (NM_139135.4); short protein forms G1549C.
Identifiers: ClinVar variation 3896447 (VCV003896447.2).
Genomic context (GRCh38, chr1:26,774,872, plus strand): 5'-ACAGATGAAATGCTGCACACAGATCAGAGGGCCAACCACGAAGGCTCGTGGCCTTCCCAT[G>T]GCACACGCCAGCCCCCATATGGTCCCTCTGCCCCTGTGCCCCCCATGACAAGGCCCCCTC-3'
Protein context (NP_006006.3, residues 1539-1559): ANHEGSWPSH[Gly1549Cys]TRQPPYGPSA